The following is an entry in ClinVar:

ClinVar aggregate classification (germline): Benign. Review status: criteria provided, multiple submitters, no conflicts (2 of 4 stars). 4 submissions from 3 submitters: Benign (4). Last evaluated 2018-06-26.

Conditions:
Adult polyglucosan body disease (APBN). Also called: POLYGLUCOSAN BODY DISEASE, ADULT FORM; GBE1-Adult Polyglucosan Body Disease. Identifiers: Orphanet 206583, MedGen C1849722, MONDO:0009897, OMIM 263570.
Glycogen storage disease, type IV (GSD4). Also called: CIRRHOSIS, FAMILIAL, WITH DEPOSITION OF ABNORMAL GLYCOGEN; GBE1 DEFICIENCY; GLYCOGEN BRANCHING ENZYME DEFICIENCY; GLYCOGENOSIS IV; GSD IV; AMYLOPECTINOSIS. Identifiers: Orphanet 367, MedGen C0017923, MONDO:0009292, OMIM 232500.

Allele frequency attached by ClinVar (database versions not stated): 1000 Genomes Project 30x 0.30653; 1000 Genomes Project 0.30911; TOPMed 0.35189; gnomAD 0.35837 and 0.36239; gnomAD exomes 0.43195.
gnomAD v4.1: 243,408 of 587,666 alleles (41%); highest among the groups gnomAD compares: South Asian, 57%; 54,696 homozygotes.

Submissions (4):

GeneDx
Classification: Benign. Last evaluated: 2018-06-26. Review status: criteria provided, single submitter. Criteria: GeneDx Variant Classification Process June 2021. Collection method: clinical testing. Allele origin: germline. Affected: yes.

Illumina Laboratory Services, Illumina
Classification: Benign for Glycogen storage disease, type IV. Last evaluated: 2018-01-13. Review status: criteria provided, single submitter. Criteria: ICSL Variant Classification Criteria 13 December 2019. Collection method: clinical testing. Allele origin: germline.
Comment: This variant was observed in the ICSL laboratory as part of a predisposition screen in an ostensibly healthy population. It had not been previously curated by ICSL or reported in the Human Gene Mutation Database (HGMD: prior to June 1st, 2018), and was therefore a candidate for classification through an automated scoring system. Utilizing variant allele frequency, disease prevalence and penetrance estimates, and inheritance mode, an automated score was calculated to assess if this variant is too frequent to cause the disease. Based on the score and internal cut-off values, a variant classified as benign is not then subjected to further curation. The score for this variant resulted in a classification of benign for this disease.

Illumina Laboratory Services, Illumina
Classification: Benign for Adult polyglucosan body disease. Last evaluated: 2018-01-13. Review status: criteria provided, single submitter. Criteria: ICSL Variant Classification Criteria 13 December 2019. Collection method: clinical testing. Allele origin: germline.
Comment: the same text as in the submission from Illumina Laboratory Services, Illumina above.

Breakthrough Genomics
Classification: Benign. Review status: criteria provided, single submitter. Criteria: ACMG Guidelines, 2015. Collection method: not provided. Allele origin: germline. Inheritance: Autosomal recessive inheritance. Affected: yes.

NM_000158.4(GBE1):c.*176G>A

Gene: GBE1 (1,4-alpha-glucan branching enzyme 1; minus strand). Cytogenetic location: 3p12.2.
Variant type: single nucleotide variant.
Coding change: c.*176G>A on transcript NM_000158.4 (MANE Select); 176 bases downstream of the stop codon, G replaced by A.
Molecular consequence: 3 prime UTR variant.
Genome position (GRCh38, 1-based): chr3:81,490,231, C>T on the plus strand (G>A on the coding strand, the complement: GBE1 is on the minus strand). VCF-style: chr3-81490231-C-T. GRCh37 (hg19) VCF-style: chr3-81539382-C-T.
Identifiers: ClinVar variation 346781 (VCV000346781.7), dbSNP rs846, ClinGen allele CA10617515.